The following is an entry in ClinVar:

NM_005751.5(AKAP9):c.6298T>C (p.Phe2100Leu)

Gene: AKAP9 (A-kinase anchoring protein 9; plus strand). Cytogenetic location: 7q21.2.
Variant type: single nucleotide variant.
Coding change: c.6298T>C on transcript NM_005751.5 (MANE Select); coding-DNA position 6298, T replaced by C.
Protein change: p.Phe2100Leu; replaces phenylalanine 2100 with leucine.
Molecular consequence: missense variant.
Genome position (GRCh38, 1-based): chr7:92,066,514, T>C. VCF-style: chr7-92066514-T-C. GRCh37 (hg19) VCF-style: chr7-91695828-T-C.
Other names: c.943T>C, p.Phe315Leu (NM_001379277.1); c.6298T>C, p.Phe2100Leu (NM_147185.3); short protein forms F2100L, F315L.
Identifiers: ClinVar variation 1752679 (VCV001752679.2), dbSNP rs1308108893, ClinGen allele CA368133367.

ClinVar aggregate classification (germline): Uncertain significance (1 of 4 stars; one submission).

Conditions:
Cardiovascular phenotype. Identifiers: MedGen CN230736.

Submission:

Ambry Genetics
Classification: Uncertain significance for Cardiovascular phenotype. Last evaluated: 2019-06-05. Review status: criteria provided, single submitter. Criteria: Ambry Variant Classification Scheme 2023. Collection method: clinical testing. Allele origin: germline.
Comment: The p.F2100L variant (also known as c.6298T>C), located in coding exon 26 of the AKAP9 gene, results from a T to C substitution at nucleotide position 6298. The phenylalanine at codon 2100 is replaced by leucine, an amino acid with highly similar properties. This amino acid position is not well conserved in available vertebrate species, and leucine is the reference amino acid in other vertebrate species. In addition, this alteration is predicted to be tolerated by in silico analysis. Since supporting evidence is limited at this time, the clinical significance of this alteration remains unclear.